The following is an entry in ClinVar:

ClinVar aggregate classification (germline): Uncertain significance. Review status: criteria provided, multiple submitters, no conflicts (2 of 4 stars). 2 submissions from 2 submitters: Uncertain significance (2). Last evaluated 2025-01-30.

Conditions:
Early-infantile DEE. Also called: Early infantile epileptic encephalopathy; Ohtahara syndrome; Early infantile epileptic encephalopathy with suppression bursts. Identifiers: Orphanet 1934, MedGen C0393706, MONDO:0800491.

Submissions (2):

Labcorp Genetics (formerly Invitae), Labcorp
Classification: Uncertain significance for Early-infantile DEE. Last evaluated: 2025-01-30. Review status: criteria provided, single submitter. Criteria: Invitae Variant Classification Sherloc (09022015). Collection method: clinical testing. Allele origin: germline.
Comment: This sequence change replaces threonine, which is neutral and polar, with asparagine, which is neutral and polar, at codon 770 of the KCNH5 protein (p.Thr770Asn). This variant is not present in population databases (gnomAD no frequency). This variant has not been reported in the literature in individuals affected with KCNH5-related conditions. ClinVar contains an entry for this variant (Variation ID: 435550). Invitae Evidence Modeling of protein sequence and biophysical properties (such as structural, functional, and spatial information, amino acid conservation, physicochemical variation, residue mobility, and thermodynamic stability) indicates that this missense variant is not expected to disrupt KCNH5 protein function with a negative predictive value of 95%. In summary, the available evidence is currently insufficient to determine the role of this variant in disease. Therefore, it has been classified as a Variant of Uncertain Significance.

Genetic Services Laboratory, University of Chicago
Classification: Uncertain significance. Last evaluated: 2015-10-08. Review status: criteria provided, single submitter. Criteria: ACMG Guidelines, 2015. Collection method: clinical testing. Allele origin: germline. Affected: no.

NM_139318.5(KCNH5):c.2309C>A (p.Thr770Asn)

Gene: KCNH5 (potassium voltage-gated channel subfamily H member 5; minus strand). Cytogenetic location: 14q23.2.
Variant type: single nucleotide variant.
Coding change: c.2309C>A on transcript NM_139318.5 (MANE Select); coding-DNA position 2309, C replaced by A.
Protein change: p.Thr770Asn; replaces threonine 770 with asparagine.
Molecular consequence: missense variant. On other transcripts: 3 prime UTR variant (1).
Genome position (GRCh38, 1-based): chr14:62,708,166, G>T on the plus strand (C>A on the coding strand, the complement: KCNH5 is on the minus strand). VCF-style: chr14-62708166-G-T. GRCh37 (hg19) VCF-style: chr14-63174884-G-T.
Other names: c.*276C>A (NM_172375.3); short protein forms T770N.
Identifiers: ClinVar variation 435550 (VCV000435550.8), dbSNP rs1555351942, ClinGen allele CA390100898.